The following is an entry in ClinVar:

ClinVar aggregate classification (germline): Uncertain significance (1 of 4 stars; one submission).

Conditions:
Arrhythmogenic right ventricular cardiomyopathy (ARVD). Also called: Arrhythmogenic right ventricular dysplasia; Cardiomyopathy, ARVC; Arrhythmogenic cardiomyopathy; Arrhythmogenic Right Ventricular Cardiomyopathy (ARVC). Identifiers: Orphanet 247, MedGen C0349788, MeSH D019571, MONDO:0016587. Disease mechanism: loss of function. Inheritance: Various modes of inheritance.

Allele frequency attached by ClinVar (database versions not stated): gnomAD exomes below 0.00001; ExAC 0.00001.
gnomAD v4.1: 2 of 1,613,802 alleles (0.00012%); highest among the groups gnomAD compares: Non-Finnish European, 0.000085%; no homozygotes.

Submission:

All of Us Research Program, National Institutes of Health
Classification: Uncertain significance for Arrhythmogenic right ventricular cardiomyopathy. Last evaluated: 2023-02-24. Review status: criteria provided, single submitter. Criteria: ACMG Guidelines, 2015. Collection method: clinical testing. Allele origin: germline. Inheritance: Autosomal dominant inheritance. Observed: 1 variant allele, 1 heterozygote.
Comment: This missense variant replaces isoleucine with valine at codon 220 of the DSG2 protein. Computational prediction suggests that this variant may not impact protein structure and function (internally defined REVEL score threshold <= 0.5, PMID: 27666373). To our knowledge, functional studies have not been reported for this variant. This variant has not been reported in individuals affected with DSG2-related disorders in the literature. This variant has been identified in 1/249452 chromosomes in the general population by the Genome Aggregation Database (gnomAD). The available evidence is insufficient to determine the role of this variant in disease conclusively. Therefore, this variant is classified as a Variant of Uncertain Significance.

This study involves interpretation of variants in research participants for the purpose of population health screening. Participant phenotype was not available at the time of variant classification. Additional details can be found in publication PMID: 35346344, PMCID: PMC8962531

NM_001943.5(DSG2):c.658A>G (p.Ile220Val)

Gene: DSG2 (desmoglein 2; plus strand). Cytogenetic location: 18q12.1.
Variant type: single nucleotide variant.
Coding change: c.658A>G on transcript NM_001943.5 (MANE Select); coding-DNA position 658, A replaced by G.
Protein change: p.Ile220Val; replaces isoleucine 220 with valine.
Molecular consequence: missense variant.
Genome position (GRCh38, 1-based): chr18:31,522,217, A>G. VCF-style: chr18-31522217-A-G. GRCh37 (hg19) VCF-style: chr18-29102180-A-G.
Other names: short protein forms I220V.
Identifiers: ClinVar variation 3069501 (VCV003069501.1), dbSNP rs759483790, ClinGen allele CA049569.